The following is an entry in ClinVar:

NM_001009944.3(PKD1):c.1261C>T (p.Arg421Cys)

Gene: PKD1 (polycystin 1, transient receptor potential channel interacting; minus strand). Cytogenetic location: 16p13.3.
Variant type: single nucleotide variant.
Coding change: c.1261C>T on transcript NM_001009944.3 (MANE Select); coding-DNA position 1261, C replaced by T.
Protein change: p.Arg421Cys; replaces arginine 421 with cysteine.
Molecular consequence: missense variant.
Genome position (GRCh38, 1-based): chr16:2,117,613, G>A on the plus strand (C>T on the coding strand, the complement: PKD1 is on the minus strand). VCF-style: chr16-2117613-G-A. GRCh37 (hg19) VCF-style: chr16-2167614-G-A.
Other names: c.1261C>T, p.Arg421Cys (NM_000296.4); short protein forms R421C.
Identifiers: ClinVar variation 562242 (VCV000562242.24), dbSNP rs1567216536, ClinGen allele CA394392721.

ClinVar aggregate classification (germline): Conflicting classifications of pathogenicity. Review status: criteria provided, conflicting classifications (1 of 4 stars). 9 submissions from 9 submitters: Pathogenic (4); Likely pathogenic (2); Uncertain significance (1). 2 of the submissions do not count toward it. Last evaluated 2026-05-24.

Conditions:
Polycystic kidney disease, adult type (PKD1). Also called: Polycystic Kidney, Autosomal Dominant; POLYCYSTIC KIDNEY DISEASE 1 WITH OR WITHOUT POLYCYSTIC LIVER DISEASE; Polycystic Kidney Disease 1, Autosomal Dominant; Polycystic kidney disease 1; Polycystic kidney disease 1, severe; POLYCYSTIC KIDNEY DISEASE, ADULT, TYPE I. Identifiers: MedGen C3149841, MONDO:0008263, OMIM 173900.
PKD1-related disorder. Also called: PKD1-related condition.

Allele frequency attached by ClinVar (database versions not stated): gnomAD exomes below 0.00001.

Submissions (9):

PreventionGenetics, part of Exact Sciences
Classification: Pathogenic for PKD1-related condition. Last evaluated: 2026-05-24. Review status: criteria provided, single submitter. Criteria: ACMG Guidelines, 2015. Collection method: clinical testing. Allele origin: germline.
Comment: The PKD1 c.1261C>T variant is predicted to result in the amino acid substitution p.Arg421Cys. This variant has been reported in individuals with autosomal dominant polycystic kidney disease (ADPKD) (Supplemental Table 2, Heyer et al. 2016. PubMed ID: 26823553; Borràs et al. 2017. PubMed ID: 28378423; Chang et al. 2013. PubMed ID: 23985799; Kim et al. 2021. PubMed ID: 32816041). In addition, at PreventionGenetics, we have also found this variant in multiple presumably unrelated patients tested for polycystic kidney disease (Internal Data). This variant has not been reported in a large population database (gnomAD), indicating this variant is rare. This variant is interpreted as pathogenic.

CeGaT Center for Human Genetics Tuebingen
Classification: Likely pathogenic. Last evaluated: 2026-03-01. Review status: criteria provided, single submitter. Criteria: CeGaT Center For Human Genetics Tuebingen Variant Classification Criteria Version 2. Collection method: clinical testing. Allele origin: germline. Affected: yes. Observed: 7 variant alleles.
Comment: PKD1: PS4, PP1:Moderate, PM2:Supporting, PP4

Victorian Clinical Genetics Services, Murdoch Childrens Research Institute
Classification: Pathogenic for Polycystic kidney disease, adult type. Last evaluated: 2025-12-30. Review status: criteria provided, single submitter. Criteria: ACMG Guidelines, 2015. Collection method: clinical testing. Allele origin: germline. Affected: yes.
Comment: This variant is classified as Pathogenic. Evidence in support of pathogenic classification: Variant is absent from gnomAD (both v2 and v3); This variant has strong previous evidence of pathogenicity in unrelated individuals. This variant has been classified as likely pathogenic by multiple clinical laboratories in ClinVar, as well as one VUS entry. This variant has been observed in multiple individuals with polycystic kidney disease in the literature (PMID: 32816041, 28378423, 23985799, 26453610, 32457805, 30989420, 27499327). Additional information: Variant is predicted to result in a missense amino acid change from arginine to cystine; This variant is heterozygous; This gene is associated with autosomal dominant disease. Polycystic kidney disease 1 (MIM#173900) is predominantly caused by monoallelic variants, with rare reports of biallelic variants causing disease (OMIM); No comparable missense variants have previous evidence for pathogenicity; Variant is not located in an established domain, motif, hotspot or informative constraint region; Missense variant with conflicting in silico predictions and uninformative conservation; Loss of function is a known mechanism of disease in this gene and is associated with polycystic kidney disease 1 (MIM#173900); Inheritance information for this variant is not currently available in this individual.

GeneDx
Classification: Uncertain significance. Last evaluated: 2025-12-02. Review status: criteria provided, single submitter. Criteria: GeneDx Variant Classification Process June 2021. Collection method: clinical testing. Allele origin: germline. Affected: yes.
Comment: Not observed at significant frequency in large population cohorts (gnomAD); In silico analysis suggests that this missense variant does not alter protein structure/function; This variant is associated with the following publications: (PMID: 32816041, 38541974, 30586318, 23985799, 39291187)

Women's Health and Genetics/Laboratory Corporation of America, LabCorp
Classification: Pathogenic for Polycystic kidney disease, adult type. Last evaluated: 2025-09-03. Review status: criteria provided, single submitter. Criteria: LabCorp Variant Classification Summary - May 2015. Collection method: clinical testing. Allele origin: germline.
Comment: Variant summary: PKD1 c.1261C>T (p.Arg421Cys) results in a non-conservative amino acid change in the encoded protein sequence. Algorithms developed to predict the effect of missense changes on protein structure and function are either unavailable or do not agree on the potential impact of this missense change. The variant was absent in 227094 control chromosomes (gnomAD). c.1261C>T has been observed in multiple individuals affected with Polycystic Kidney Disease 1 (e.g., Chang_2013, Hwang_2016, Groopman_2019, Mochizuki_2019, Kim_2021, Yu_2022). These data indicate that the variant is very likely to be associated with disease. The following publications have been ascertained in the context of this evaluation (PMID: 28378423, 23985799, 39291187, 30586318, 26453610, 32816041, 32457805, 30989420, 35778421). ClinVar contains an entry for this variant (Variation ID: 562242). Based on the evidence outlined above, the variant was classified as pathogenic.

Fulgent Genetics
Classification: Pathogenic for Polycystic kidney disease, adult type. Last evaluated: 2024-06-15. Review status: criteria provided, single submitter. Criteria: ACMG Guidelines, 2015. Collection method: clinical testing. Allele origin: germline.

Blueprint Genetics
Classification: Likely pathogenic for PKD1-related disorders. Last evaluated: 2024-02-08. Review status: criteria provided, single submitter. Criteria: ACMG Guidelines, 2015. Collection method: clinical testing. Allele origin: germline. Affected: yes. Observed: 5 variant alleles.

Bioscientia Institut fuer Medizinische Diagnostik GmbH, Sonic Healthcare
Classification: Likely pathogenic for Polycystic kidney disease, adult type. Last evaluated: 2019-11-06. Review status: no assertion criteria provided. Collection method: clinical testing. Allele origin: germline. Affected: yes. Not counted in ClinVar's aggregate classification.

Gharavi Laboratory, Columbia University
Classification: Likely pathogenic. Last evaluated: 2018-09-16. Review status: no assertion criteria provided. Criteria: ACMG Guidelines, 2015. Collection method: research. Allele origin: germline. Affected: yes. Not counted in ClinVar's aggregate classification.

Literature cited by the submitters: PubMed 26453610 (cited by Victorian Clinical Genetics Services, Murdoch Childrens Research Institute and Women's Health and Genetics/Laboratory Corporation of America, LabCorp); PubMed 27499327 (cited by Victorian Clinical Genetics Services, Murdoch Childrens Research Institute); PubMed 32457805 (cited by Victorian Clinical Genetics Services, Murdoch Childrens Research Institute and Women's Health and Genetics/Laboratory Corporation of America, LabCorp); PubMed 32816041 (cited by Victorian Clinical Genetics Services, Murdoch Childrens Research Institute and Women's Health and Genetics/Laboratory Corporation of America, LabCorp); PubMed 30989420 (cited by Victorian Clinical Genetics Services, Murdoch Childrens Research Institute and Women's Health and Genetics/Laboratory Corporation of America, LabCorp); PubMed 28378423 (cited by Victorian Clinical Genetics Services, Murdoch Childrens Research Institute and Women's Health and Genetics/Laboratory Corporation of America, LabCorp); PubMed 23985799 (cited by Victorian Clinical Genetics Services, Murdoch Childrens Research Institute and Women's Health and Genetics/Laboratory Corporation of America, LabCorp); PubMed 30586318 (cited by Women's Health and Genetics/Laboratory Corporation of America, LabCorp); PubMed 35778421 (cited by Women's Health and Genetics/Laboratory Corporation of America, LabCorp); PubMed 39291187 (cited by Women's Health and Genetics/Laboratory Corporation of America, LabCorp).